The following is an entry in ClinVar:

NM_006949.4(STXBP2):c.638A>C (p.Lys213Thr)

Gene: STXBP2 (syntaxin binding protein 2; plus strand). Cytogenetic location: 19p13.2.
Variant type: single nucleotide variant.
Coding change: c.638A>C on transcript NM_006949.4 (MANE Select); coding-DNA position 638, A replaced by C.
Protein change: p.Lys213Thr; replaces lysine 213 with threonine.
Molecular consequence: missense variant. On other transcripts: non-coding transcript variant (1).
Genome position (GRCh38, 1-based): chr19:7,642,093, A>C. VCF-style: chr19-7642093-A-C. GRCh37 (hg19) VCF-style: chr19-7706979-A-C.
Other names: c.629A>C, p.Lys210Thr (NM_001127396.3); c.671A>C, p.Lys224Thr (NM_001272034.2); short protein forms K224T, K210T, K213T.
Identifiers: ClinVar variation 1371956 (VCV001371956.8), dbSNP rs2146217232, ClinGen allele CA403158639.

ClinVar aggregate classification (germline): Uncertain significance (1 of 4 stars; one submission).

Conditions:
Familial hemophagocytic lymphohistiocytosis 5. Also called: STXBP2-Related Familial Hemophagocytic Lymphohistiocytosis (STXBP2-fHLH). Identifiers: Orphanet 540, MedGen C2751293, MONDO:0013135, OMIM 613101.

Submission:

Labcorp Genetics (formerly Invitae), Labcorp
Classification: Uncertain significance for Familial hemophagocytic lymphohistiocytosis 5. Last evaluated: 2021-02-13. Review status: criteria provided, single submitter. Criteria: Invitae Variant Classification Sherloc (09022015). Collection method: clinical testing. Allele origin: germline.
Comment: This sequence change replaces lysine with threonine at codon 213 of the STXBP2 protein (p.Lys213Thr). The lysine residue is highly conserved and there is a moderate physicochemical difference between lysine and threonine. In summary, the available evidence is currently insufficient to determine the role of this variant in disease. Therefore, it has been classified as a Variant of Uncertain Significance. Algorithms developed to predict the effect of missense changes on protein structure and function are either unavailable or do not agree on the potential impact of this missense change (SIFT: "Tolerated"; PolyPhen-2: "Probably Damaging"; Align-GVGD: "Class C0"). This variant has not been reported in the literature in individuals with STXBP2-related conditions. This variant is not present in population databases (ExAC no frequency).